The following is an entry in ClinVar:

NM_007294.4(BRCA1):c.904del (p.Ala302fs)

Gene: BRCA1 (BRCA1 DNA repair associated; minus strand). Cytogenetic location: 17q21.31.
Variant type: Deletion.
Coding change: c.904del on transcript NM_007294.4 (MANE Select); coding-DNA position 904, one base deleted (G; older notation c.904delG).
Protein change: p.Ala302fs; shifts the reading frame from alanine 302.
Molecular consequence: frameshift variant. On other transcripts: intron variant (137).
Genome position (GRCh38, 1-based): chr17:43,094,627, C deleted on the plus strand (G on the coding strand, the reverse complement: BRCA1 is on the minus strand); the first of 2 consecutive C bases (chr17:43,094,627-43,094,628); deleting either gives the same sequence. VCF-style (leftmost placement, unchanged base first): chr17-43094626-GC-G. GRCh37 (hg19) VCF-style: chr17-41246643-GC-G.
Other names: 1023delG; c.637del, p.Ala213fs (NM_001407936.1, NM_001407930.1, NM_001407931.1 and 2 more transcripts); c.781del, p.Ala261fs (NM_001407937.1, NM_001407938.1, NM_001407939.1 and 19 more transcripts); c.778del, p.Ala260fs (NM_001407940.1, NM_001407941.1, NM_001407649.1 and 11 more transcripts); c.763del, p.Ala255fs (NM_001407942.1, NM_001407944.1, NM_001407945.1 and 29 more transcripts); c.760del, p.Ala254fs (NM_001407943.1, NM_001407964.1, NM_001407740.1 and 20 more transcripts); c.571del, p.Ala191fs (NM_001407946.1, NM_001407947.1, NM_001407948.1 and 6 more transcripts); c.568del, p.Ala190fs (NM_001407954.1, NM_001407955.1, NM_001407956.1 and 1 more transcripts); and 42 more; short protein forms A255fs, A302fs, A134fs, A175fs, A232fs, A254fs, A276fs, A213fs.
Identifiers: ClinVar variation 55749 (VCV000055749.17), dbSNP rs273903793, ClinGen allele CA003960.
Genomic context (GRCh38, chr17:43,094,626, plus strand): 5'-GCCCATCTGTTATGTTGGCTCCTTGCTAAGCCAGGCTGTTTGCTTTTATTACAGAATTCA[GC>G]CTTTTCTACATTCATTCTGTCTTTAGTGAGTAATAAACTGCTGTTCTCATGCTGTAATGA-3'

ClinVar aggregate classification (germline): Pathogenic. Review status: reviewed by expert panel (3 of 4 stars). 6 submissions from 6 submitters: Pathogenic (1). 5 of the submissions do not count toward it. Last evaluated 2016-09-08.

Conditions:
Hereditary cancer-predisposing syndrome. Also called: Hereditary Cancer Syndrome; Hereditary neoplastic syndrome; Neoplastic Syndromes, Hereditary; Tumor predisposition. Identifiers: Orphanet 140162, MedGen C0027672, MeSH D009386, MONDO:0015356.
Breast-ovarian cancer, familial, susceptibility to, 1 (BROVCA1). Also called: BRCA1 Hereditary Breast and Ovarian Cancer; OVARIAN CANCER, SUSCEPTIBILITY TO. Identifiers: Orphanet 145, MedGen C2676676, MONDO:0011450, OMIM 604370. Disease mechanism: loss of function.
Hereditary breast ovarian cancer syndrome. Also called: BRCA1- and BRCA2-Associated Hereditary Breast and Ovarian Cancer; Hereditary breast and ovarian cancer syndrome; Hereditary breast and ovarian cancer syndrome (HBOC); Breast and ovarian cancer; Hereditary breast and/or ovarian cancer syndrome; Hereditary breast and ovarian cancer. Identifiers: Orphanet 145, MedGen C0677776, MeSH D061325, MONDO:0003582. Disease mechanism: loss of function.

Submissions (6):

Evidence-based Network for the Interpretation of Germline Mutant Alleles (ENIGMA)
Classification: Pathogenic for Breast-ovarian cancer, familial, susceptibility to, 1. Last evaluated: 2016-09-08. Review status: reviewed by expert panel. Criteria: ENIGMA BRCA1/2 Classification Criteria (2015). Collection method: curation. Allele origin: germline.
Comment: Variant allele predicted to encode a truncated non-functional protein.

Ambry Genetics
Classification: Pathogenic for Hereditary cancer-predisposing syndrome. Last evaluated: 2024-08-30. Review status: criteria provided, single submitter. Criteria: Ambry Variant Classification Scheme 2023. Collection method: clinical testing. Allele origin: germline. Not counted in ClinVar's aggregate classification.
Comment: The c.904delG pathogenic mutation, located in coding exon 9 of the BRCA1 gene, results from a deletion of one nucleotide at nucleotide position 904, causing a translational frameshift with a predicted alternate stop codon (p.A302Lfs*12). This alteration has been identified in multiple individuals diagnosed with breast and/or ovarian cancer (Kraus C et al. Int J Cancer, 2017 Jan;140:95-102; Hoyer J et al. BMC Cancer, 2018 Sep;18:926). Additionally, this alteration was identified in a large, worldwide study of BRCA1/2 mutation positive families (Rebbeck TR et al. Hum Mutat, 2018 05;39:593-620). In addition to the clinical data presented in the literature, this alteration is expected to result in loss of function by premature protein truncation or nonsense-mediated mRNA decay. This variant is considered to be rare based on population cohorts in the Genome Aggregation Database (gnomAD). As such, this alteration is interpreted as a disease-causing mutation.

Labcorp Genetics (formerly Invitae), Labcorp
Classification: Pathogenic for Hereditary breast ovarian cancer syndrome. Last evaluated: 2023-04-03. Review status: criteria provided, single submitter. Criteria: Invitae Variant Classification Sherloc (09022015). Collection method: clinical testing. Allele origin: germline. Not counted in ClinVar's aggregate classification.
Comment: This sequence change creates a premature translational stop signal (p.Ala302Leufs*12) in the BRCA1 gene. It is expected to result in an absent or disrupted protein product. Loss-of-function variants in BRCA1 are known to be pathogenic (PMID: 20104584). For these reasons, this variant has been classified as Pathogenic. ClinVar contains an entry for this variant (Variation ID: 55749). This premature translational stop signal has been observed in individual(s) with breast cancer (PMID: 30257646). This variant is not present in population databases (gnomAD no frequency).

Color Diagnostics, LLC DBA Color Health
Classification: Pathogenic for Hereditary cancer-predisposing syndrome. Last evaluated: 2021-05-10. Review status: criteria provided, single submitter. Criteria: ACMG Guidelines, 2015. Collection method: clinical testing. Allele origin: germline. Not counted in ClinVar's aggregate classification.
Comment: This variant deletes 1 nucleotide in exon 10 of the BRCA1 gene, creating a frameshift and premature translation stop signal. This variant is expected to result in an absent or non-functional protein product. To our knowledge, functional studies have not been reported for this variant. This variant has been reported in at least three individuals affected with breast and ovarian cancer (PMID: 27616075; BIC accession number 19838; Color internal data). This variant has not been identified in the general population by the Genome Aggregation Database (gnomAD). Loss of BRCA1 function is a known mechanism of disease. Based on the available evidence, this variant is classified as Pathogenic.

Consortium of Investigators of Modifiers of BRCA1/2 (CIMBA), c/o University of Cambridge
Classification: Pathogenic for Breast-ovarian cancer, familial, susceptibility to, 1. Last evaluated: 2015-10-02. Review status: criteria provided, single submitter. Criteria: CIMBA Mutation Classification guidelines May 2016. Collection method: clinical testing. Allele origin: germline. Not counted in ClinVar's aggregate classification.

Breast Cancer Information Core (BIC) (BRCA1)
Classification: Pathogenic for Breast-ovarian cancer, familial 1. Last evaluated: 2010-12-17. Review status: no assertion criteria provided. Collection method: clinical testing. Allele origin: germline. Affected: yes. Observed: 1 variant allele. Not counted in ClinVar's aggregate classification.

Literature cited by the submitters: PubMed 27616075 (cited by Ambry Genetics); PubMed 29446198 (cited by Ambry Genetics); PubMed 30257646 (cited by Ambry Genetics and Labcorp Genetics (formerly Invitae), Labcorp); PubMed 20104584 (cited by Labcorp Genetics (formerly Invitae), Labcorp).